The following is an entry in ClinVar:

ClinVar aggregate classification (germline): Uncertain significance (1 of 4 stars; one submission).

Conditions:
Hereditary spastic paraplegia 48. Also called: SPASTIC PARAPLEGIA 48, AUTOSOMAL RECESSIVE; Spastic paraplegia 48. Identifiers: Orphanet 306511, MedGen C3150901, MONDO:0013342, OMIM 613647.

Allele frequency attached by ClinVar (database versions not stated): ExAC 0.00001; TOPMed 0.00001; gnomAD exomes 0.00003; 1000 Genomes Project 30x 0.00031; 1000 Genomes Project 0.00040.

Submission:

Labcorp Genetics (formerly Invitae), Labcorp
Classification: Uncertain significance for Hereditary spastic paraplegia 48. Last evaluated: 2024-10-14. Review status: criteria provided, single submitter. Criteria: Invitae Variant Classification Sherloc (09022015). Collection method: clinical testing. Allele origin: germline.
Comment: This sequence change replaces valine, which is neutral and non-polar, with isoleucine, which is neutral and non-polar, at codon 156 of the AP5Z1 protein (p.Val156Ile). This variant is present in population databases (rs534552849, gnomAD 0.003%). This variant has not been reported in the literature in individuals affected with AP5Z1-related conditions. ClinVar contains an entry for this variant (Variation ID: 2186934). Invitae Evidence Modeling of protein sequence and biophysical properties (such as structural, functional, and spatial information, amino acid conservation, physicochemical variation, residue mobility, and thermodynamic stability) indicates that this missense variant is not expected to disrupt AP5Z1 protein function with a negative predictive value of 80%. In summary, the available evidence is currently insufficient to determine the role of this variant in disease. Therefore, it has been classified as a Variant of Uncertain Significance.

NM_014855.3(AP5Z1):c.466G>A (p.Val156Ile)

Gene: AP5Z1 (adaptor related protein complex 5 subunit zeta 1; plus strand). Cytogenetic location: 7p22.1.
Variant type: single nucleotide variant.
Coding change: c.466G>A on transcript NM_014855.3 (MANE Select); coding-DNA position 466, G replaced by A.
Protein change: p.Val156Ile; replaces valine 156 with isoleucine.
Molecular consequence: missense variant. On other transcripts: 5 prime UTR variant (1), non-coding transcript variant (1).
Genome position (GRCh38, 1-based): chr7:4,783,415, G>A. VCF-style: chr7-4783415-G-A. GRCh37 (hg19) VCF-style: chr7-4823046-G-A.
Other names: c.-3G>A (NM_001364858.1); short protein forms V156I.
Identifiers: ClinVar variation 2186934 (VCV002186934.3), dbSNP rs534552849, ClinGen allele CA4137220.